The following is an entry in ClinVar:

NM_000143.4(FH):c.463G>T (p.Glu155Ter)

Gene: FH (fumarate hydratase; minus strand). Cytogenetic location: 1q43.
Variant type: single nucleotide variant.
Coding change: c.463G>T on transcript NM_000143.4 (MANE Select); coding-DNA position 463, G replaced by T.
Protein change: p.Glu155Ter; replaces glutamic acid 155 with a stop codon.
Molecular consequence: nonsense.
Genome position (GRCh38, 1-based): chr1:241,512,059, C>A on the plus strand (G>T on the coding strand, the complement: FH is on the minus strand). VCF-style: chr1-241512059-C-A. GRCh37 (hg19) VCF-style: chr1-241675359-C-A.
Other names: short protein forms E155*.
Identifiers: ClinVar variation 3904705 (VCV003904705.1).

ClinVar aggregate classification (germline): Pathogenic (1 of 4 stars; one submission).

Conditions:
Hereditary leiomyomatosis and renal cell cancer. Also called: MULTIPLE CUTANEOUS AND UTERINE LEIOMYOMATA 1, WITH OR WITHOUT RENAL CELL CARCINOMA; LEIOMYOMA, MULTIPLE CUTANEOUS; FH tumor predisposition syndrome; Reed syndrome; Multiple cutaneous and uterine leiomyomatosis; Cutaneous leiomyomata with uterine leiomyomata. Identifiers: Orphanet 523, MedGen C1708350, MONDO:0007888, OMIM 150800, HP:0007437. Disease mechanism: loss of function.

Submission:

Myriad Genetics, Inc.
Classification: Pathogenic for Hereditary leiomyomatosis and renal cell cancer. Last evaluated: 2025-01-23. Review status: criteria provided, single submitter. Criteria: Myriad Autosomal Dominant, Autosomal Recessive and X-Linked Classification Criteria (2023). Collection method: clinical testing. Allele origin: unknown.
Comment: This variant is considered pathogenic. This variant creates a termination codon and is predicted to result in premature protein truncation.